The following is an entry in ClinVar:

NM_004850.5(ROCK2):c.218A>G (p.Asn73Ser)

Gene: ROCK2 (Rho associated coiled-coil containing protein kinase 2; minus strand). Cytogenetic location: 2p25.1.
Variant type: single nucleotide variant.
Coding change: c.218A>G on transcript NM_004850.5 (MANE Select); coding-DNA position 218, A replaced by G.
Protein change: p.Asn73Ser; replaces asparagine 73 with serine.
Molecular consequence: missense variant. On other transcripts: 5 prime UTR variant (1).
Genome position (GRCh38, 1-based): chr2:11,287,660, T>C on the plus strand (A>G on the coding strand, the complement: ROCK2 is on the minus strand). VCF-style: chr2-11287660-T-C. GRCh37 (hg19) VCF-style: chr2-11427786-T-C.
Other names: c.-41A>G (NM_001321643.2); short protein forms N73S.
Identifiers: ClinVar variation 4984597 (VCV004984597.1).

ClinVar aggregate classification (germline): Uncertain significance (1 of 4 stars; one submission).

Conditions:
ROCK2-related disorder. Also called: ROCK2-related condition.

Submission:

PreventionGenetics, part of Exact Sciences
Classification: Uncertain significance for ROCK2-related condition. Last evaluated: 2025-04-24. Review status: criteria provided, single submitter. Criteria: ACMG Guidelines, 2015. Collection method: clinical testing. Allele origin: germline.
Comment: The ROCK2 c.218A>G variant is predicted to result in the amino acid substitution p.Asn73Ser. To our knowledge, this variant has not been reported in the literature. This variant is reported in 0.0065% of alleles in individuals of European (Non-Finnish) descent in gnomAD. At this time, the clinical significance of this variant is uncertain due to the absence of conclusive functional and genetic evidence.